The following is an entry in ClinVar:

ClinVar aggregate classification (germline): Uncertain significance (1 of 4 stars; one submission).

Submission:

GeneDx
Classification: Uncertain significance. Last evaluated: 2023-03-24. Review status: criteria provided, single submitter. Criteria: GeneDx Variant Classification Process June 2021. Collection method: clinical testing. Allele origin: germline. Affected: yes.
Comment: Not observed at significant frequency in large population cohorts (gnomAD); In silico analysis supports that this missense variant has a deleterious effect on protein structure/function; Has not been previously published as pathogenic or benign to our knowledge

NM_000969.5(RPL5):c.484G>T (p.Ala162Ser)

Genes: DIPK1A (divergent protein kinase domain 1A; minus strand), RPL5 (ribosomal protein L5; plus strand). Cytogenetic location: 1p22.1.
Variant type: single nucleotide variant.
Coding change: c.484G>T on transcript NM_000969.5 (MANE Select); coding-DNA position 484, G replaced by T.
Protein change: p.Ala162Ser; replaces alanine 162 with serine.
Molecular consequence: missense variant. On other transcripts: non-coding transcript variant (1), intron variant (1).
Genome position (GRCh38, 1-based): chr1:92,836,349, G>T. VCF-style: chr1-92836349-G-T. GRCh37 (hg19) VCF-style: chr1-93301906-G-T.
Other names: c.475-3315C>A (NM_001252273.2); short protein forms A162S.
Identifiers: ClinVar variation 2580676 (VCV002580676.1), dbSNP rs2524458034, ClinGen allele CA341242486.